The following is an entry in ClinVar:

ClinVar aggregate classification (germline): Likely pathogenic. Review status: criteria provided, multiple submitters, no conflicts (2 of 4 stars). 2 submissions from 2 submitters: Likely pathogenic (2). Last evaluated 2026-01-12.

Conditions:
Hyper-IgM syndrome type 1. Also called: Hyper-IgM Immunodeficiency Syndrome, Type 1; CD40 Ligand Deficiency; X-linked hyper-IgM syndrome; Immunodeficiency, X-linked, with hyper-IgM. Identifiers: Orphanet 101088, MedGen C0398689, MONDO:0010626, OMIM 308230.

Submissions (2):

Labcorp Genetics (formerly Invitae), Labcorp
Classification: Likely pathogenic for Hyper-IgM syndrome type 1. Last evaluated: 2026-01-12. Review status: criteria provided, single submitter. Criteria: Invitae Variant Classification Sherloc (09022015). Collection method: clinical testing. Allele origin: germline.
Comment: This sequence change replaces tyrosine, which is neutral and polar, with cysteine, which is neutral and slightly polar, at codon 169 of the CD40LG protein (p.Tyr169Cys). This variant is not present in population databases (gnomAD no frequency). This missense change has been observed in individual(s) with hyper IgM syndrome (PMID: 24929972, 35804376). ClinVar contains an entry for this variant (Variation ID: 191254). Invitae Evidence Modeling of protein sequence and biophysical properties (such as structural, functional, and spatial information, amino acid conservation, physicochemical variation, residue mobility, and thermodynamic stability) indicates that this missense variant is expected to disrupt CD40LG protein function with a positive predictive value of 80%. This variant disrupts the p.Tyr169 amino acid residue in CD40LG. Other variant(s) that disrupt this residue have been observed in individuals with CD40LG-related conditions (PMID: 15358621, 16037832, 33423265), which suggests that this may be a clinically significant amino acid residue. In summary, the currently available evidence indicates that the variant is pathogenic, but additional data are needed to prove that conclusively. Therefore, this variant has been classified as Likely Pathogenic.

Genomic Medicine Center of Excellence, King Faisal Specialist Hospital and Research Centre
Classification: Likely pathogenic. Review status: criteria provided, single submitter. Criteria: ACMG Guidelines, 2015. Collection method: research. Allele origin: germline. Affected: yes.

Literature cited by the submitters: PubMed 24929972 (cited by Labcorp Genetics (formerly Invitae), Labcorp); PubMed 35804376 (cited by Labcorp Genetics (formerly Invitae), Labcorp); PubMed 15358621 (cited by Labcorp Genetics (formerly Invitae), Labcorp); PubMed 16037832 (cited by Labcorp Genetics (formerly Invitae), Labcorp); PubMed 33423265 (cited by Labcorp Genetics (formerly Invitae), Labcorp).

NM_000074.3(CD40LG):c.506A>G (p.Tyr169Cys)

Gene: CD40LG (CD40 ligand; plus strand). Cytogenetic location: Xq26.3.
Variant type: single nucleotide variant.
Coding change: c.506A>G on transcript NM_000074.3 (MANE Select); coding-DNA position 506, A replaced by G.
Protein change: p.Tyr169Cys; replaces tyrosine 169 with cysteine.
Molecular consequence: missense variant.
Genome position (GRCh38, 1-based): chrX:136,659,135, A>G. VCF-style: chrX-136659135-A-G. GRCh37 (hg19) VCF-style: chrX-135741294-A-G.
Other names: short protein forms Y169C.
Identifiers: ClinVar variation 191254 (VCV000191254.2), dbSNP rs786205606, ClinGen allele CA236364.